The following is an entry in ClinVar:

NM_006231.4(POLE):c.3818G>A (p.Arg1273Gln)

Gene: POLE (DNA polymerase epsilon, catalytic subunit; minus strand). Cytogenetic location: 12q24.33.
Variant type: single nucleotide variant.
Coding change: c.3818G>A on transcript NM_006231.4 (MANE Select); coding-DNA position 3818, G replaced by A.
Protein change: p.Arg1273Gln; replaces arginine 1273 with glutamine.
Molecular consequence: missense variant.
Genome position (GRCh38, 1-based): chr12:132,649,493, C>T on the plus strand (G>A on the coding strand, the complement: POLE is on the minus strand). VCF-style: chr12-132649493-C-T. GRCh37 (hg19) VCF-style: chr12-133226079-C-T.
Other names: short protein forms R1273Q.
Identifiers: ClinVar variation 571748 (VCV000571748.14), dbSNP rs377324348, ClinGen allele CA6893080.

ClinVar aggregate classification (germline): Uncertain significance. Review status: criteria provided, multiple submitters, no conflicts (2 of 4 stars). 4 submissions from 4 submitters: Uncertain significance (4). Last evaluated 2026-08-06.

Conditions:
Colorectal cancer, susceptibility to, 12 (CRCS12). Also called: COLORECTAL CANCER, SUSCEPTIBILITY TO, ON CHROMOSOME 12q24. Identifiers: Orphanet 220460, MedGen C3554460, MONDO:0014038, OMIM 615083.
Hereditary cancer-predisposing syndrome. Also called: Neoplastic Syndromes, Hereditary; Hereditary Cancer Syndrome; Tumor predisposition; Hereditary neoplastic syndrome. Identifiers: Orphanet 140162, MedGen C0027672, MeSH D009386, MONDO:0015356.

Allele frequency attached by ClinVar (database versions not stated): ExAC 0.00002; gnomAD 0.00002; TOPMed 0.00002; ESP Exome Variant Server 0.00008; gnomAD exomes 0.00001.
gnomAD v4.1: 25 of 1,612,042 alleles (0.0016%); highest among the groups gnomAD compares: East Asian, 0.0045%; no homozygotes.

Submissions (4):

OLLIN Analises Genomicas, OLLIN
Classification: Uncertain significance for Colorectal cancer, susceptibility to, 12. Last evaluated: 2026-08-06. Review status: criteria provided, single submitter. Criteria: ACMG Guidelines 2015 PMID 25741868. Collection method: clinical testing. Allele origin: germline. Inheritance: Autosomal recessive inheritance.
Comment: This missense variant, located in exon 31 (of 49), has been reported in ClinVar (accession VCV000405834.13) and in gnomAD with an allele frequency of 0.0016%. However, to our knowledge, it has not been reported in the scientific literature. In silico analysis predicts that this variant has a tolerated effect. According to the currently available evidence, this variant has been classified as uncertain significance (BP4_M).

Labcorp Genetics (formerly Invitae), Labcorp
Classification: Uncertain significance. Last evaluated: 2025-12-12. Review status: criteria provided, single submitter. Criteria: Invitae Variant Classification Sherloc (09022015). Collection method: clinical testing. Allele origin: germline.
Comment: This sequence change replaces arginine, which is basic and polar, with glutamine, which is neutral and polar, at codon 1273 of the POLE protein (p.Arg1273Gln). This variant is present in population databases (rs377324348, gnomAD 0.005%). This missense change has been observed in individual(s) with uterine cancer and/or melanoma (PMID: 3432686). ClinVar contains an entry for this variant (Variation ID: 571748). Invitae Evidence Modeling of protein sequence and biophysical properties (such as structural, functional, and spatial information, amino acid conservation, physicochemical variation, residue mobility, and thermodynamic stability) indicates that this missense variant is not expected to disrupt POLE protein function with a negative predictive value of 80%. In summary, the available evidence is currently insufficient to determine the role of this variant in disease. Therefore, it has been classified as a Variant of Uncertain Significance.

GeneDx
Classification: Uncertain significance. Last evaluated: 2025-09-30. Review status: criteria provided, single submitter. Criteria: GeneDx Variant Classification Process June 2021. Collection method: clinical testing. Allele origin: germline. Affected: yes.
Comment: In silico analysis suggests that this missense variant does not alter protein structure/function; Not observed at significant frequency in large population cohorts (gnomAD); This variant is associated with the following publications: (PMID: 34326862, 29641532)

Ambry Genetics
Classification: Uncertain significance for Hereditary cancer-predisposing syndrome. Last evaluated: 2024-10-17. Review status: criteria provided, single submitter. Criteria: Ambry Variant Classification Scheme 2023. Collection method: clinical testing. Allele origin: germline.
Comment: The p.R1273Q variant (also known as c.3818G>A), located in coding exon 31 of the POLE gene, results from a G to A substitution at nucleotide position 3818. The arginine at codon 1273 is replaced by glutamine, an amino acid with highly similar properties. This amino acid position is not well conserved in available vertebrate species. In addition, this alteration is predicted to be tolerated by in silico analysis. Based on the available evidence, the clinical significance of this variant remains unclear.

Literature cited by the submitters: PubMed 3432686 (cited by Labcorp Genetics (formerly Invitae), Labcorp).